The following is an entry in ClinVar:

ClinVar aggregate classification (germline): Uncertain significance (1 of 4 stars; one submission).

Conditions:
Aortic aneurysm, familial thoracic 7 (AAT7). Also called: AORTIC DISSECTION, FAMILIAL, WITH OR WITHOUT AORTIC ANEURYSM. Identifiers: MedGen C3151077, MONDO:0013418, OMIM 613780.

Allele frequency attached by ClinVar (database versions not stated): gnomAD exomes below 0.00001; ExAC 0.00001; gnomAD 0.00001; TOPMed 0.00001.
gnomAD v4.1: 3 of 1,614,064 alleles (0.00019%); highest among the groups gnomAD compares: Non-Finnish European, 0.00025%; no homozygotes.

Submission:

Labcorp Genetics (formerly Invitae), Labcorp
Classification: Uncertain significance for Aortic aneurysm, familial thoracic 7. Last evaluated: 2024-09-29. Review status: criteria provided, single submitter. Criteria: Invitae Variant Classification Sherloc (09022015). Collection method: clinical testing. Allele origin: germline.
Comment: This sequence change replaces alanine, which is neutral and non-polar, with valine, which is neutral and non-polar, at codon 1671 of the MYLK protein (p.Ala1671Val). This variant is not present in population databases (gnomAD no frequency). This variant has not been reported in the literature in individuals affected with MYLK-related conditions. ClinVar contains an entry for this variant (Variation ID: 1038110). Invitae Evidence Modeling of protein sequence and biophysical properties (such as structural, functional, and spatial information, amino acid conservation, physicochemical variation, residue mobility, and thermodynamic stability) indicates that this missense variant is not expected to disrupt MYLK protein function with a negative predictive value of 95%. In summary, the available evidence is currently insufficient to determine the role of this variant in disease. Therefore, it has been classified as a Variant of Uncertain Significance.

NM_053025.4(MYLK):c.5012C>T (p.Ala1671Val)

Genes: MYLK-AS1 (MYLK antisense RNA 1; plus strand), MYLK (myosin light chain kinase; minus strand), LOC126806791 (MED14-independent group 3 enhancer GRCh37_chr3:123347871-123349070; plus strand). Cytogenetic location: 3q21.1.
Variant type: single nucleotide variant.
Coding change: c.5012C>T on transcript NM_053025.4 (MANE Select); coding-DNA position 5012, C replaced by T.
Protein change: p.Ala1671Val; replaces alanine 1671 with valine.
Molecular consequence: missense variant. On other transcripts: non-coding transcript variant (2), intron variant (2).
Genome position (GRCh38, 1-based): chr3:123,629,576, G>A on the plus strand (C>T on the coding strand, the complement: MYLK is on the minus strand). VCF-style: chr3-123629576-G-A. GRCh37 (hg19) VCF-style: chr3-123348423-G-A.
Other names: c.4484C>T, p.Ala1495Val (NM_001321309.2); c.4805C>T, p.Ala1602Val (NM_053026.4); c.4755-2635C>T (NM_053028.4); c.4962-2635C>T (NM_053027.4); short protein forms A1495V, A1671V, A1602V.
Identifiers: ClinVar variation 1038110 (VCV001038110.9), dbSNP rs767591736, ClinGen allele CA072388.